The following is an entry in ClinVar:

NM_017662.5(TRPM6):c.5615G>T (p.Trp1872Leu)

Gene: TRPM6 (transient receptor potential cation channel subfamily M member 6; minus strand). Cytogenetic location: 9q21.13.
Variant type: single nucleotide variant.
Coding change: c.5615G>T on transcript NM_017662.5 (MANE Select); coding-DNA position 5615, G replaced by T.
Protein change: p.Trp1872Leu; replaces tryptophan 1872 with leucine.
Molecular consequence: missense variant.
Genome position (GRCh38, 1-based): chr9:74,738,568, C>A on the plus strand (G>T on the coding strand, the complement: TRPM6 is on the minus strand). VCF-style: chr9-74738568-C-A. GRCh37 (hg19) VCF-style: chr9-77353484-C-A.
Other names: p.Trp1872Leu; c.5600G>T, p.Trp1867Leu (NM_001177310.2, NM_001177311.2); short protein forms W1867L, W1872L.
Identifiers: ClinVar variation 2683051 (VCV002683051.1), dbSNP rs775096237, ClinGen allele CA373674136.

ClinVar aggregate classification (germline): Uncertain significance (1 of 4 stars; one submission).

gnomAD v4.1: 1 of 1,614,026 alleles (0.000062%); highest among the groups gnomAD compares: Non-Finnish European, 0.000085%; no homozygotes.

Submission:

Mayo Clinic Laboratories, Mayo Clinic
Classification: Uncertain significance. Last evaluated: 2023-01-23. Review status: criteria provided, single submitter. Criteria: ACMG Guidelines, 2015. Collection method: clinical testing. Allele origin: germline. Observed: 2 variant alleles.
Comment: PM2_supporting